The following is an entry in ClinVar:

NM_000081.4(LYST):c.5129A>G (p.Lys1710Arg)

Gene: LYST (lysosomal trafficking regulator; minus strand). Cytogenetic location: 1q42.3.
Variant type: single nucleotide variant.
Coding change: c.5129A>G on transcript NM_000081.4 (MANE Select); coding-DNA position 5129, A replaced by G.
Protein change: p.Lys1710Arg; replaces lysine 1710 with arginine.
Molecular consequence: missense variant.
Genome position (GRCh38, 1-based): chr1:235,780,950, T>C on the plus strand (A>G on the coding strand, the complement: LYST is on the minus strand). VCF-style: chr1-235780950-T-C. GRCh37 (hg19) VCF-style: chr1-235944250-T-C.
Other names: c.5129A>G, p.Lys1710Arg (NM_001301365.1); c.5129A>G (NM_000081.2); short protein forms K1710R.
Identifiers: ClinVar variation 2053203 (VCV002053203.2), dbSNP rs1669809986, ClinGen allele CA344955382.
Genomic context (GRCh38, chr1:235,780,950, plus strand): 5'-TTCTTGGTCATAAAAAGTTCTCTGATTTGTTCACATCGCAAAATTTCTTTATTAATATAT[T>C]TGGAGTAGTCATTGACTGGCTTGCCATACTTACATGGCATTACAGATGTATGGTTGGGTC-3'
Protein context (NP_000072.2, residues 1700-1720): KYGKPVNDYS[Lys1710Arg]YINKEILRCE

ClinVar aggregate classification (germline): Uncertain significance. Review status: criteria provided, multiple submitters, no conflicts (2 of 4 stars). 2 submissions from 2 submitters: Uncertain significance (2). Last evaluated 2026-04-07.

Conditions:
Chédiak-Higashi syndrome (CHS). Also called: Chediak-Higashi Syndrome. Identifiers: Orphanet 167, MedGen C0007965, MONDO:0008963, OMIM 214500.

Allele frequency attached by ClinVar (database versions not stated): TOPMed 0.00002.

Submissions (2):

GeneDx
Classification: Uncertain significance. Last evaluated: 2026-04-07. Review status: criteria provided, single submitter. Criteria: GeneDx Variant Classification Process June 2021. Collection method: clinical testing. Allele origin: germline.
Comment: Not observed at significant frequency in large population cohorts (gnomAD); In silico analysis suggests that this missense variant does not alter protein structure/function; Has not been previously published as pathogenic or benign to our knowledge

Labcorp Genetics (formerly Invitae), Labcorp
Classification: Uncertain significance for Chédiak-Higashi syndrome. Last evaluated: 2022-06-02. Review status: criteria provided, single submitter. Criteria: Invitae Variant Classification Sherloc (09022015). Collection method: clinical testing. Allele origin: germline.
Comment: This sequence change replaces lysine, which is basic and polar, with arginine, which is basic and polar, at codon 1710 of the LYST protein (p.Lys1710Arg). This variant is not present in population databases (gnomAD no frequency). This variant has not been reported in the literature in individuals affected with LYST-related conditions. Algorithms developed to predict the effect of missense changes on protein structure and function output the following: SIFT: "Deleterious"; PolyPhen-2: "Benign"; Align-GVGD: "Class C0". The arginine amino acid residue is found in multiple mammalian species, which suggests that this missense change does not adversely affect protein function. Algorithms developed to predict the effect of sequence changes on RNA splicing suggest that this variant may create or strengthen a splice site. In summary, the available evidence is currently insufficient to determine the role of this variant in disease. Therefore, it has been classified as a Variant of Uncertain Significance.